The following is an entry in ClinVar:

ClinVar aggregate classification (germline): Uncertain significance. Review status: criteria provided, single submitter (1 of 4 stars). 2 submissions from 2 submitters: Uncertain significance (1). 1 of the submissions does not count toward it. Last evaluated 2022-02-09.

Conditions:
Severe combined immunodeficiency, autosomal recessive, T cell-negative, B cell-negative, NK cell-positive. Also called: SCID, AR, T-cell negative, B-cell negative, NK cell-positive; Severe combined immunodeficiency due to complete RAG1/2 deficiency; SCID, T CELL-NEGATIVE, B CELL-NEGATIVE, NK CELL-POSITIVE. Identifiers: Orphanet 331206, MedGen C1832322, MONDO:0011086, OMIM 601457.
Combined immunodeficiency with skin granulomas. Identifiers: Orphanet 157949, MedGen C2673536, MONDO:0009306, OMIM 233650.

Allele frequency attached by ClinVar (database versions not stated): ExAC 0.00001; gnomAD 0.00001; gnomAD exomes 0.00001; TOPMed 0.00001.
gnomAD v4.1: 14 of 1,613,978 alleles (0.00087%); highest among the groups gnomAD compares: Non-Finnish European, 0.0011%; no homozygotes.

Submissions (2):

Labcorp Genetics (formerly Invitae), Labcorp
Classification: Uncertain significance for Combined immunodeficiency with skin granulomas; Severe combined immunodeficiency, autosomal recessive, T cell-negative, B cell-negative, NK cell-positive. Last evaluated: 2022-02-09. Review status: criteria provided, single submitter. Criteria: Invitae Variant Classification Sherloc (09022015). Collection method: clinical testing. Allele origin: germline.
Comment: This sequence change replaces alanine, which is neutral and non-polar, with valine, which is neutral and non-polar, at codon 156 of the RAG1 protein (p.Ala156Val). This variant is not present in population databases (gnomAD no frequency). This variant has not been reported in the literature in individuals affected with RAG1-related conditions. This variant is also known as c.579C>T. ClinVar contains an entry for this variant (Variation ID: 13142). Advanced modeling of protein sequence and biophysical properties (such as structural, functional, and spatial information, amino acid conservation, physicochemical variation, residue mobility, and thermodynamic stability) performed at Invitae indicates that this missense variant is not expected to disrupt RAG1 protein function. In summary, the available evidence is currently insufficient to determine the role of this variant in disease. Therefore, it has been classified as a Variant of Uncertain Significance.

OMIM
Classification: Benign for RAG1 POLYMORPHISM. Last evaluated: 1996-10-04. Review status: no assertion criteria provided. Collection method: literature only. Allele origin: germline. Not counted in ClinVar's aggregate classification.

Literature cited by the submitters: PubMed 8810255 (cited by OMIM).

NM_000448.3(RAG1):c.467C>T (p.Ala156Val)

Gene: RAG1 (recombination activating 1; plus strand). Cytogenetic location: 11p12.
Variant type: single nucleotide variant.
Coding change: c.467C>T on transcript NM_000448.3 (MANE Select); coding-DNA position 467, C replaced by T.
Protein change: p.Ala156Val; replaces alanine 156 with valine.
Molecular consequence: missense variant.
Genome position (GRCh38, 1-based): chr11:36,573,771, C>T. VCF-style: chr11-36573771-C-T. GRCh37 (hg19) VCF-style: chr11-36595321-C-T.
Other names: c.467C>T, p.Ala156Val (NM_001377277.1, NM_001377278.1, NM_001377279.1 and 1 more transcripts); short protein forms A156V.
Identifiers: ClinVar variation 13142 (VCV000013142.5), dbSNP rs1801203, ClinGen allele CA122883.